The following is an entry in ClinVar:

NM_001127496.3(SPRY4):c.401A>G (p.Lys134Arg)

Gene: SPRY4 (sprouty RTK signaling antagonist 4; minus strand). Cytogenetic location: 5q31.3.
Variant type: single nucleotide variant.
Coding change: c.401A>G on transcript NM_001127496.3 (MANE Select); coding-DNA position 401, A replaced by G.
Protein change: p.Lys134Arg; replaces lysine 134 with arginine.
Molecular consequence: missense variant.
Genome position (GRCh38, 1-based): chr5:142,314,708, T>C on the plus strand (A>G on the coding strand, the complement: SPRY4 is on the minus strand). VCF-style: chr5-142314708-T-C. GRCh37 (hg19) VCF-style: chr5-141694273-T-C.
Other names: c.401A>G, p.Lys134Arg (NM_001293289.3, NM_001293290.3); c.470A>G, p.Lys157Arg (NM_030964.5); short protein forms K134R, K157R.
Identifiers: ClinVar variation 1305355 (VCV001305355.2), dbSNP rs1759076726, ClinGen allele CA361600460.

ClinVar aggregate classification (germline): Uncertain significance (1 of 4 stars; one submission).

Allele frequency attached by ClinVar (database versions not stated): TOPMed below 0.00001; gnomAD 0.00001.
gnomAD v4.1: 1 of 1,613,758 alleles (0.000062%); highest among the groups gnomAD compares: Non-Finnish European, 0.000085%; no homozygotes.

Submission:

GeneDx
Classification: Uncertain significance. Last evaluated: 2019-04-25. Review status: criteria provided, single submitter. Criteria: GeneDx Variant Classification Process June 2021. Collection method: clinical testing. Allele origin: germline. Affected: yes.
Comment: Not observed in large population cohorts (Lek et al., 2016); In silico analysis, which includes protein predictors and evolutionary conservation, supports that this variant does not alter protein structure/function; Has not been previously published as pathogenic or benign to our knowledge